The following is an entry in ClinVar:

NM_019112.4(ABCA7):c.1186_1196del (p.Leu396fs)

Gene: ABCA7 (ATP binding cassette subfamily A member 7; plus strand). Cytogenetic location: 19p13.3.
Variant type: Deletion.
Coding change: c.1186_1196del on transcript NM_019112.4 (MANE Select); coding-DNA positions 1186 to 1196, 11 bases deleted (CTGGTGGGCAC).
Protein change: p.Leu396fs; shifts the reading frame from leucine 396.
Molecular consequence: frameshift variant.
Genome position (GRCh38, 1-based): chr19:1,044,715-1,044,725, CTGGTGGGCAC deleted; deleting any 11 consecutive bases within chr19:1,044,709-1,044,725 gives the same sequence; the c. name uses the placement nearest the transcript's 3' end. VCF-style (leftmost placement, unchanged base first): chr19-1044708-GGGGCACCTGGT-G. GRCh37 (hg19) VCF-style: chr19-1044707-GGGGCACCTGGT-G.
Other names: NM_019112.4(ABCA7):c.1186_1196del; p.Leu396fs; c.1186_1196del11 (NM_019112.4); short protein forms L396fs.
Identifiers: ClinVar variation 710668 (VCV000710668.5), dbSNP rs567222111, ClinGen allele CA9032926.

ClinVar aggregate classification (germline): Conflicting classifications of pathogenicity. Review status: criteria provided, conflicting classifications (1 of 4 stars). 4 submissions from 4 submitters: Uncertain significance (2); Benign (1); Likely benign (1). Last evaluated 2025-12-31.

Conditions:
Neuromuscular disease. Also called: Neuromuscular disorder; Neuromyopathy. Identifiers: Orphanet 68381, MedGen C0027868, MeSH D009468, MONDO:0019056.
Alzheimer disease 9. Also called: ALZHEIMER DISEASE 9, SUSCEPTIBILITY TO; ALZHEIMER DISEASE 9, LATE-ONSET. Identifiers: MedGen C4282179, MONDO:0012153, OMIM 608907.

Submissions (4):

3billion
Classification: Uncertain significance for Alzheimer disease 9. Last evaluated: 2025-12-31. Review status: criteria provided, single submitter. Criteria: ACMG Guidelines, 2015. Collection method: clinical testing. Allele origin: germline. Affected: yes.
Comment: The variant is observed at gnomAD v4.1.0 dataset (Allele frequency: 0.025%). Predicted Consequence/Location: Frameshift: predicted to result in a loss or disruption of normal protein function through nonsense-mediated decay (NMD) or protein truncation. The variant has been reported as benign without evidence for the classification (ClinVar ID: VCV000710668). However, loss-of-function variant carriers of the ABCA7 variant is reported to have increased risk for Alzheimer disease (PMID: 30210277). Therefore, this variant is classified as VUS according to the recommendation of ACMG/AMP guideline.

Women's Health and Genetics/Laboratory Corporation of America, LabCorp
Classification: Benign. Last evaluated: 2025-02-19. Review status: criteria provided, single submitter. Criteria: LabCorp Variant Classification Summary - May 2015. Collection method: clinical testing. Allele origin: germline.
Comment: Variant summary: ABCA7 c.1186_1196del11 (p.Leu396AlafsX45) results in a premature termination codon, predicted to cause absence of the protein due to nonsense mediated decay, however current evidence is not sufficient to establish loss of function as a mechanism for disease. The variant allele was found at a frequency of 0.00039 in 246156 control chromosomes, predominantly at a frequency of 0.0057 within the African or African-American subpopulation in the gnomAD database. The observed variant frequency within African or African-American control individuals in the gnomAD database exceeds the estimated maximal expected allele frequency for a pathogenic variant in ABCA7 causing Alzheimer Disease, Type 9 phenotype. c.1186_1196del11 has been reported in the literature in individuals affected with Alzheimer Disease as well in controls (Logue_2018). These report(s) do not provide unequivocal conclusions about association of the variant with Alzheimer Disease, Type 9. To our knowledge, no experimental evidence demonstrating an impact on protein function has been reported. The following publication has been ascertained in the context of this evaluation (PMID: 30210277). ClinVar contains an entry for this variant (Variation ID: 710668). Based on the evidence outlined above, the variant was classified as benign.

Broad Center for Mendelian Genomics, Broad Institute of MIT and Harvard
Classification: Uncertain significance for Neuromuscular disease. Last evaluated: 2024-11-25. Review status: criteria provided, single submitter. Criteria: ACMG Guidelines, 2015. Collection method: curation. Allele origin: germline. Inheritance: Autosomal recessive inheritance. Study: GREGoR Consortium.
Comment: While this gene is still lacking sufficient evidence to establish a gene-disease relationship, we believe this is a possible novel gene candidate for a recessive brain or muscle disorder. Given the limited information about this gene-disease relationship, the significance of the p.Gln349Ter variant is uncertain. If you have any additional information about functional evidence or other individuals with this phenotype that also have variants in ABCA7 we encourage you to reach out to us.

Labcorp Genetics (formerly Invitae), Labcorp
Classification: Likely benign. Last evaluated: 2018-11-29. Review status: criteria provided, single submitter. Criteria: Invitae Variant Classification Sherloc (09022015). Collection method: clinical testing. Allele origin: germline.

Literature cited by the submitters: PubMed 30210277 (cited by Women's Health and Genetics/Laboratory Corporation of America, LabCorp).